The following is an entry in ClinVar:

ClinVar aggregate classification (germline): Conflicting classifications of pathogenicity. Review status: criteria provided, conflicting classifications (1 of 4 stars). 4 submissions from 3 submitters: Uncertain significance (1); Benign (2); Likely benign (1). Last evaluated 2025-09-01.

Conditions:
Hypothyroidism due to TSH receptor mutations. Also called: Hypothyroidism, congenital, nongoitrous, 1; HYPOTHYROIDISM DUE TO UNRESPONSIVENESS TO THYROTROPIN; HYPOTHYROIDISM, CONGENITAL, DUE TO TSH RESISTANCE; HYPOTHYROIDISM, NONAUTOIMMUNE; THYROID-STIMULATING HORMONE, RESISTANCE TO; TSH RESISTANCE. Identifiers: Orphanet 90673, MedGen C3493776, MONDO:0010142, OMIM 275200.
Familial hyperthyroidism due to mutations in TSH receptor. Also called: HYPERTHYROIDISM, CONGENITAL NONAUTOIMMUNE; HYPERTHYROIDISM, NONAUTOIMMUNE, AUTOSOMAL DOMINANT; TOXIC THYROID HYPERPLASIA, AUTOSOMAL DOMINANT. Identifiers: Orphanet 424, MedGen C1836706, MONDO:0012203, OMIM 609152.

Allele frequency attached by ClinVar (database versions not stated): TOPMed 0.00002; ESP Exome Variant Server 0.00008; 1000 Genomes Project 30x 0.00016; 1000 Genomes Project 0.00020; gnomAD exomes 0.00061 and 0.00131; gnomAD 0.00111 and 0.00116; ExAC 0.00125.
gnomAD v4.1: 1,055 of 1,614,186 alleles (0.065%); highest among the groups gnomAD compares: Non-Finnish European, 0.0084%; 8 homozygotes.

Submissions (4):

CeGaT Center for Human Genetics Tuebingen
Classification: Likely benign. Last evaluated: 2025-09-01. Review status: criteria provided, single submitter. Criteria: CeGaT Center For Human Genetics Tuebingen Variant Classification Criteria Version 2. Collection method: clinical testing. Allele origin: germline. Affected: yes. Observed: 1 variant allele.
Comment: TSHR: BP4, BS2

Labcorp Genetics (formerly Invitae), Labcorp
Classification: Benign. Last evaluated: 2023-11-17. Review status: criteria provided, single submitter. Criteria: Invitae Variant Classification Sherloc (09022015). Collection method: clinical testing. Allele origin: germline.

Illumina Laboratory Services, Illumina
Classification: Uncertain significance for Hypothyroidism due to TSH receptor mutations. Last evaluated: 2018-01-12. Review status: criteria provided, single submitter. Criteria: ICSL Variant Classification Criteria 13 December 2019. Collection method: clinical testing. Allele origin: germline.

Illumina Laboratory Services, Illumina
Classification: Benign for Familial hyperthyroidism due to mutations in TSH receptor. Last evaluated: 2018-01-12. Review status: criteria provided, single submitter. Criteria: ICSL Variant Classification Criteria 13 December 2019. Collection method: clinical testing. Allele origin: germline.
Comment: This variant was observed in the ICSL laboratory as part of a predisposition screen in an ostensibly healthy population. It had not been previously curated by ICSL or reported in the Human Gene Mutation Database (HGMD: prior to June 1st, 2018), and was therefore a candidate for classification through an automated scoring system. Utilizing variant allele frequency, disease prevalence and penetrance estimates, and inheritance mode, an automated score was calculated to assess if this variant is too frequent to cause the disease. Based on the score and internal cut-off values, a variant classified as benign is not then subjected to further curation. The score for this variant resulted in a classification of benign for this disease.

NM_000369.5(TSHR):c.1971C>T (p.Ser657=)

Genes: TSHR (thyroid stimulating hormone receptor; plus strand), TSHR-AS1 (TSHR antisense RNA 1; minus strand). Cytogenetic location: 14q31.1.
Variant type: single nucleotide variant.
Coding change: c.1971C>T on transcript NM_000369.5 (MANE Select); coding-DNA position 1971, C replaced by T.
Protein change: p.Ser657=; no amino-acid change (serine 657 retained).
Molecular consequence: synonymous variant.
Genome position (GRCh38, 1-based): chr14:81,144,029, C>T. VCF-style: chr14-81144029-C-T. GRCh37 (hg19) VCF-style: chr14-81610373-C-T.
Identifiers: ClinVar variation 888516 (VCV000888516.14), dbSNP rs143773384, ClinGen allele CA7294557.